The following is an entry in ClinVar:

NM_004360.5(CDH1):c.1326G>C (p.Leu442Phe)

Gene: CDH1 (cadherin 1; plus strand). Cytogenetic location: 16q22.1.
Variant type: single nucleotide variant.
Coding change: c.1326G>C on transcript NM_004360.5 (MANE Select); coding-DNA position 1326, G replaced by C.
Protein change: p.Leu442Phe; replaces leucine 442 with phenylalanine.
Molecular consequence: missense variant. On other transcripts: 5 prime UTR variant (2).
Genome position (GRCh38, 1-based): chr16:68,815,520, G>C. VCF-style: chr16-68815520-G-C. GRCh37 (hg19) VCF-style: chr16-68849423-G-C.
Other names: c.1143G>C, p.Leu381Phe (NM_001317184.2); c.-223G>C (NM_001317185.2); c.-494G>C (NM_001317186.2); short protein forms L442F, L381F.
Identifiers: ClinVar variation 491493 (VCV000491493.15), dbSNP rs1555516080, ClinGen allele CA396462658.

ClinVar aggregate classification (germline): Uncertain significance. Review status: criteria provided, multiple submitters, no conflicts (2 of 4 stars). 3 submissions from 3 submitters: Uncertain significance (3). Last evaluated 2024-03-06.

Conditions:
Hereditary cancer-predisposing syndrome. Also called: Tumor predisposition; Neoplastic Syndromes, Hereditary; Hereditary Cancer Syndrome; Hereditary neoplastic syndrome. Identifiers: Orphanet 140162, MedGen C0027672, MeSH D009386, MONDO:0015356.
Hereditary diffuse gastric adenocarcinoma (HDGC). Also called: DIFFUSE GASTRIC AND LOBULAR BREAST CANCER SYNDROME. Identifiers: Orphanet 26106, MedGen C1708349, MONDO:0007648, OMIM 137215.

Submissions (3):

Color Diagnostics, LLC DBA Color Health
Classification: Uncertain significance for Hereditary cancer-predisposing syndrome. Last evaluated: 2024-03-06. Review status: criteria provided, single submitter. Criteria: ACMG Guidelines, 2015. Collection method: clinical testing. Allele origin: germline.
Comment: This missense variant replaces leucine with phenylalanine at codon 442 of the CDH1 protein. Computational prediction is inconclusive regarding the impact of this variant on protein structure and function (internally defined REVEL score threshold 0.5 < inconclusive < 0.7, PMID: 27666373). Splice site prediction tools suggest that this variant may not impact RNA splicing. To our knowledge, functional studies have not been performed for this variant. This variant has not been reported in individuals affected with hereditary cancer in the literature. This variant has not been identified in the general population by the Genome Aggregation Database (gnomAD). The available evidence is insufficient to determine the role of this variant in disease conclusively. Therefore, this variant is classified as a Variant of Uncertain Significance.

Ambry Genetics
Classification: Uncertain significance for Hereditary cancer-predisposing syndrome. Last evaluated: 2024-01-22. Review status: criteria provided, single submitter. Criteria: Ambry Variant Classification Scheme 2023. Collection method: clinical testing. Allele origin: germline.
Comment: The p.L442F variant (also known as c.1326G>C), located in coding exon 10 of the CDH1 gene, results from a G to C substitution at nucleotide position 1326. The leucine at codon 442 is replaced by phenylalanine, an amino acid with highly similar properties. This amino acid position is highly conserved in available vertebrate species. In addition, this alteration is predicted to be deleterious by in silico analysis. Based on the available evidence, the clinical significance of this alteration remains unclear.

Labcorp Genetics (formerly Invitae), Labcorp
Classification: Uncertain significance for Hereditary diffuse gastric adenocarcinoma. Last evaluated: 2023-02-26. Review status: criteria provided, single submitter. Criteria: Invitae Variant Classification Sherloc (09022015). Collection method: clinical testing. Allele origin: germline.
Comment: An algorithm developed to predict the effect of missense changes on protein structure and function (PolyPhen-2) suggests that this variant is likely to be disruptive. ClinVar contains an entry for this variant (Variation ID: 491493). This variant has not been reported in the literature in individuals affected with CDH1-related conditions. This variant is not present in population databases (gnomAD no frequency). This sequence change replaces leucine, which is neutral and non-polar, with phenylalanine, which is neutral and non-polar, at codon 442 of the CDH1 protein (p.Leu442Phe). In summary, the available evidence is currently insufficient to determine the role of this variant in disease. Therefore, it has been classified as a Variant of Uncertain Significance.